The following is an entry in ClinVar:

ClinVar aggregate classification (germline): Uncertain significance. Review status: criteria provided, multiple submitters, no conflicts (2 of 4 stars). 3 submissions from 3 submitters: Uncertain significance (2). 1 of the submissions does not count toward it. Last evaluated 2021-09-01.

Conditions:
Usher syndrome type 2A. Also called: RETINAL DISEASE IN USHER SYNDROME TYPE IIA, MODIFIER OF; USHER SYNDROME, TYPE IIA. Identifiers: Orphanet 231178, Orphanet 886, MedGen C1848634, MONDO:0010169, OMIM 276901.

Allele frequency attached by ClinVar (database versions not stated): gnomAD exomes below 0.00001; ExAC 0.00001; TOPMed 0.00001.
gnomAD v4.1: 52 of 1,614,054 alleles (0.0032%); highest among the groups gnomAD compares: Non-Finnish European, 0.0042%; no homozygotes.

Submissions (3):

Labcorp Genetics (formerly Invitae), Labcorp
Classification: Uncertain significance. Last evaluated: 2021-09-01. Review status: criteria provided, single submitter. Criteria: Invitae Variant Classification Sherloc (09022015). Collection method: clinical testing. Allele origin: germline.
Comment: This sequence change replaces serine with leucine at codon 2797 of the USH2A protein (p.Ser2797Leu). The serine residue is highly conserved and there is a large physicochemical difference between serine and leucine. This variant is present in population databases (rs756866344, ExAC 0.001%). This variant has not been reported in the literature in individuals affected with USH2A-related conditions. Algorithms developed to predict the effect of missense changes on protein structure and function (SIFT, PolyPhen-2, Align-GVGD) all suggest that this variant is likely to be disruptive. In summary, the available evidence is currently insufficient to determine the role of this variant in disease. Therefore, it has been classified as a Variant of Uncertain Significance.

Blueprint Genetics
Classification: Uncertain significance. Last evaluated: 2019-01-30. Review status: criteria provided, single submitter. Criteria: ACMG Guidelines, 2015. Collection method: clinical testing. Allele origin: germline.

Natera, Inc.
Classification: Uncertain significance for Usher syndrome type 2A. Last evaluated: 2021-01-11. Review status: no assertion criteria provided. Collection method: clinical testing. Allele origin: germline. Not counted in ClinVar's aggregate classification.

NM_206933.4(USH2A):c.8390C>T (p.Ser2797Leu)

Gene: USH2A (usherin; minus strand). Cytogenetic location: 1q41.
Variant type: single nucleotide variant.
Coding change: c.8390C>T on transcript NM_206933.4 (MANE Select); coding-DNA position 8390, C replaced by T.
Protein change: p.Ser2797Leu; replaces serine 2797 with leucine.
Molecular consequence: missense variant.
Genome position (GRCh38, 1-based): chr1:215,878,932, G>A on the plus strand (C>T on the coding strand, the complement: USH2A is on the minus strand). VCF-style: chr1-215878932-G-A. GRCh37 (hg19) VCF-style: chr1-216052274-G-A.
Other names: short protein forms S2797L.
Identifiers: ClinVar variation 1005669 (VCV001005669.8), dbSNP rs756866344, ClinGen allele CA1394619.
Genomic context (GRCh38, chr1:215,878,932, plus strand): 5'-TGAGTGGTAACATAGGTAGGTAAACTCTCTGTGCACCCTCCAAGGTACCCATTACCCCCT[G>A]AGCAAGCAACAATGGTGACAGAATAATTAGTGAAAGGAATCAGATGAGTAACTTTTTGAC-3'
Protein context (NP_996816.3, residues 2787-2807): TNYSVTIVAC[Ser2797Leu]GGNGYLGGCT